The following is an entry in ClinVar:

ClinVar aggregate classification (germline): Uncertain significance. Review status: criteria provided, multiple submitters, no conflicts (2 of 4 stars). 3 submissions from 3 submitters: Uncertain significance (3). Last evaluated 2025-08-21.

Allele frequency attached by ClinVar (database versions not stated): ESP Exome Variant Server 0.00008; gnomAD 0.00008; TOPMed 0.00009; gnomAD exomes 0.00011; ExAC 0.00017.
gnomAD v4.1: 163 of 1,587,336 alleles (0.01%); highest among the groups gnomAD compares: Non-Finnish European, 0.012%; 1 homozygote.

Submissions (3):

Labcorp Genetics (formerly Invitae), Labcorp
Classification: Uncertain significance. Last evaluated: 2025-08-21. Review status: criteria provided, single submitter. Criteria: Invitae Variant Classification Sherloc (09022015). Collection method: clinical testing. Allele origin: germline.
Comment: This sequence change replaces threonine, which is neutral and polar, with methionine, which is neutral and non-polar, at codon 162 of the PITRM1 protein (p.Thr162Met). This variant is present in population databases (rs201270190, gnomAD 0.02%). This variant has not been reported in the literature in individuals affected with PITRM1-related conditions. ClinVar contains an entry for this variant (Variation ID: 1443886). An algorithm developed to predict the effect of missense changes on protein structure and function (PolyPhen-2) suggests that this variant is likely to be tolerated. In summary, the available evidence is currently insufficient to determine the role of this variant in disease. Therefore, it has been classified as a Variant of Uncertain Significance.

Ambry Genetics
Classification: Uncertain significance. Last evaluated: 2024-12-12. Review status: criteria provided, single submitter. Criteria: Ambry Variant Classification Scheme 2023. Collection method: clinical testing. Allele origin: germline.

Blueprint Genetics
Classification: Uncertain significance. Last evaluated: 2024-09-03. Review status: criteria provided, single submitter. Criteria: ACMG Guidelines, 2015. Collection method: clinical testing. Allele origin: germline.

NM_014889.4(PITRM1):c.581C>T (p.Thr194Met)

Gene: PITRM1 (pitrilysin metallopeptidase 1; minus strand). Cytogenetic location: 10p15.2.
Variant type: single nucleotide variant.
Coding change: c.581C>T on transcript NM_014889.4 (MANE Select); coding-DNA position 581, C replaced by T.
Protein change: p.Thr194Met; replaces threonine 194 with methionine.
Molecular consequence: missense variant. On other transcripts: 5 prime UTR variant (3), non-coding transcript variant (4).
Genome position (GRCh38, 1-based): chr10:3,165,287, G>A on the plus strand (C>T on the coding strand, the complement: PITRM1 is on the minus strand). VCF-style: chr10-3165287-G-A. GRCh37 (hg19) VCF-style: chr10-3207479-G-A.
Other names: c.581C>T (NM_001242307.1); c.581C>T, p.Thr194Met (NM_001242307.2, NM_001347725.2); c.485C>T, p.Thr162Met (NM_001242309.1); c.-35C>T (NM_001347726.2, NM_001347727.2); c.-720C>T (NM_001347728.2); c.557C>T, p.Thr186Met (NM_001347729.1, NM_001347730.1); short protein forms T194M, T162M, T186M.
Identifiers: ClinVar variation 1443886 (VCV001443886.7), dbSNP rs201270190, ClinGen allele CA5388156.
Genomic context (GRCh38, chr10:3,165,287, plus strand): 5'-AGAAAACTTACAAACGCTCCCTTCATCTCATTAAAGACGACTCCTTTAAAGACCAAGGGC[G>A]TCTGGGGGTCGCTCGGATTCTCATGTTCCAGCCGCCATCCTTCCTGCCTGAGGACAAATC-3'
Protein context (NP_055704.2, residues 184-204): LEHENPSDPQ[Thr194Met]PLVFKGVVFN